The following is an entry in ClinVar:

ClinVar aggregate classification (germline): Uncertain significance (1 of 4 stars; one submission).

Conditions:
Congenital myotonia, autosomal dominant form (THD). Also called: THOMSEN DISEASE; Myotonia congenita autosomal dominant. Identifiers: Orphanet 614, MedGen C2936781, MONDO:0008055, OMIM 160800.
Congenital myotonia, autosomal recessive form. Also called: Becker Generalized Myotonia; myotonia congenita, autosomal recessive; BECKER DISEASE. Identifiers: Orphanet 614, MedGen C0751360, MONDO:0009715, OMIM 255700.

Allele frequency attached by ClinVar (database versions not stated): gnomAD exomes below 0.00001.
gnomAD v4.1: 1 of 1,612,772 alleles (0.000062%); highest among the groups gnomAD compares: Non-Finnish European, 0.000085%; no homozygotes.

Submission:

Labcorp Genetics (formerly Invitae), Labcorp
Classification: Uncertain significance for Congenital myotonia, autosomal recessive form; Congenital myotonia, autosomal dominant form. Last evaluated: 2022-01-01. Review status: criteria provided, single submitter. Criteria: Invitae Variant Classification Sherloc (09022015). Collection method: clinical testing. Allele origin: germline.
Comment: In summary, the available evidence is currently insufficient to determine the role of this variant in disease. Therefore, it has been classified as a Variant of Uncertain Significance. Advanced modeling of protein sequence and biophysical properties (such as structural, functional, and spatial information, amino acid conservation, physicochemical variation, residue mobility, and thermodynamic stability) performed at Invitae indicates that this missense variant is expected to disrupt CLCN1 protein function. ClinVar contains an entry for this variant (Variation ID: 1043842). This variant has not been reported in the literature in individuals affected with CLCN1-related conditions. This variant is present in population databases (no rsID available, gnomAD 0.0009%). This sequence change replaces alanine, which is neutral and non-polar, with proline, which is neutral and non-polar, at codon 239 of the CLCN1 protein (p.Ala239Pro).

NM_000083.3(CLCN1):c.715G>C (p.Ala239Pro)

Gene: CLCN1 (chloride voltage-gated channel 1; plus strand). Cytogenetic location: 7q34.
Variant type: single nucleotide variant.
Coding change: c.715G>C on transcript NM_000083.3 (MANE Select); coding-DNA position 715, G replaced by C.
Protein change: p.Ala239Pro; replaces alanine 239 with proline.
Molecular consequence: missense variant. On other transcripts: non-coding transcript variant (1).
Genome position (GRCh38, 1-based): chr7:143,323,327, G>C. VCF-style: chr7-143323327-G-C. GRCh37 (hg19) VCF-style: chr7-143020420-G-C.
Other names: short protein forms A239P.
Identifiers: ClinVar variation 1043842 (VCV001043842.8), dbSNP rs1454438376, ClinGen allele CA369686410.
Genomic context (GRCh38, chr7:143,323,327, plus strand): 5'-ATCTGGCCTCTGACCCCCGCCCCCTCGCTCCCCCTCTCCCAGGGCCCCTTCGTCCACATT[G>C]CCAGCATCTGTGCTGCTGTCCTCAGCAAATTCATGTCTGTGTTCTGCGGGGTATATGAGG-3'
Protein context (NP_000074.3, residues 229-249): VGKEGPFVHI[Ala239Pro]SICAAVLSKF